The following is an entry in ClinVar:

ClinVar aggregate classification (germline): Uncertain significance (1 of 4 stars; one submission).

Conditions:
Epilepsy, progressive myoclonic, 1B. Also called: PME. Identifiers: Orphanet 308, MedGen C2676254, MONDO:0012904, OMIM 612437.

Allele frequency attached by ClinVar (database versions not stated): TOPMed below 0.00001; gnomAD 0.00001; gnomAD exomes 0.00001; ExAC 0.00002; 1000 Genomes Project 30x 0.00016; 1000 Genomes Project 0.00020.
gnomAD v4.1: 1 of 1,613,998 alleles (0.000062%); highest among the groups gnomAD compares: African/African-American, 0.0013%; no homozygotes.

Submission:

Labcorp Genetics (formerly Invitae), Labcorp
Classification: Uncertain significance for Epilepsy, progressive myoclonic, 1B. Last evaluated: 2022-03-03. Review status: criteria provided, single submitter. Criteria: Invitae Variant Classification Sherloc (09022015). Collection method: clinical testing. Allele origin: germline.
Comment: In summary, the available evidence is currently insufficient to determine the role of this variant in disease. Therefore, it has been classified as a Variant of Uncertain Significance. Algorithms developed to predict the effect of missense changes on protein structure and function (SIFT, PolyPhen-2, Align-GVGD) all suggest that this variant is likely to be disruptive. ClinVar contains an entry for this variant (Variation ID: 1018025). This variant has not been reported in the literature in individuals affected with PRICKLE1-related conditions. This variant is present in population databases (rs547914367, gnomAD 0.01%). This sequence change replaces serine, which is neutral and polar, with arginine, which is basic and polar, at codon 493 of the PRICKLE1 protein (p.Ser493Arg).

NM_153026.3(PRICKLE1):c.1477A>C (p.Ser493Arg)

Gene: PRICKLE1 (prickle planar cell polarity protein 1; minus strand). Cytogenetic location: 12q12.
Variant type: single nucleotide variant.
Coding change: c.1477A>C on transcript NM_153026.3 (MANE Select); coding-DNA position 1477, A replaced by C.
Protein change: p.Ser493Arg; replaces serine 493 with arginine.
Molecular consequence: missense variant.
Genome position (GRCh38, 1-based): chr12:42,464,557, T>G on the plus strand (A>C on the coding strand, the complement: PRICKLE1 is on the minus strand). VCF-style: chr12-42464557-T-G. GRCh37 (hg19) VCF-style: chr12-42858359-T-G.
Other names: c.1477A>C, p.Ser493Arg (NM_001144881.2, NM_001144882.2, NM_001144883.2); short protein forms S493R.
Identifiers: ClinVar variation 1018025 (VCV001018025.9), dbSNP rs547914367, ClinGen allele CA6519748.